The following is an entry in ClinVar:

NM_015378.4(VPS13D):c.1595A>T (p.Asp532Val)

Gene: VPS13D (vacuolar protein sorting 13 homolog D; plus strand). Cytogenetic location: 1p36.22.
Variant type: single nucleotide variant.
Coding change: c.1595A>T on transcript NM_015378.4 (MANE Select); coding-DNA position 1595, A replaced by T.
Protein change: p.Asp532Val; replaces aspartic acid 532 with valine.
Molecular consequence: missense variant.
Genome position (GRCh38, 1-based): chr1:12,266,881, A>T. VCF-style: chr1-12266881-A-T. GRCh37 (hg19) VCF-style: chr1-12326938-A-T.
Other names: c.1595A>T, p.Asp532Val (NM_018156.4); short protein forms D532V.
Identifiers: ClinVar variation 1716115 (VCV001716115.5), dbSNP rs752594809, ClinGen allele CA601577.

ClinVar aggregate classification (germline): Uncertain significance (1 of 4 stars; one submission).

Allele frequency attached by ClinVar (database versions not stated): gnomAD exomes below 0.00001; TOPMed below 0.00001; ExAC 0.00001; gnomAD 0.00001.

Submission:

Labcorp Genetics (formerly Invitae), Labcorp
Classification: Uncertain significance. Last evaluated: 2022-10-20. Review status: criteria provided, single submitter. Criteria: Invitae Variant Classification Sherloc (09022015). Collection method: clinical testing. Allele origin: germline.
Comment: In summary, the available evidence is currently insufficient to determine the role of this variant in disease. Therefore, it has been classified as a Variant of Uncertain Significance. Algorithms developed to predict the effect of missense changes on protein structure and function are either unavailable or do not agree on the potential impact of this missense change (SIFT: "Not Available"; PolyPhen-2: "Benign"; Align-GVGD: "Not Available"). This variant has not been reported in the literature in individuals affected with VPS13D-related conditions. This variant is present in population databases (rs752594809, gnomAD 0.001%). This sequence change replaces aspartic acid, which is acidic and polar, with valine, which is neutral and non-polar, at codon 532 of the VPS13D protein (p.Asp532Val).